The following is an entry in ClinVar:

NM_005228.5(EGFR):c.2259G>A (p.Pro753=)

Gene: EGFR (epidermal growth factor receptor; plus strand). Cytogenetic location: 7p11.2.
Variant type: single nucleotide variant.
Coding change: c.2259G>A on transcript NM_005228.5 (MANE Select); coding-DNA position 2259, G replaced by A.
Protein change: p.Pro753=; no amino-acid change (proline 753 retained).
Molecular consequence: synonymous variant.
Genome position (GRCh38, 1-based): chr7:55,174,796, G>A. VCF-style: chr7-55174796-G-A. GRCh37 (hg19) VCF-style: chr7-55242489-G-A.
Other names: c.2124G>A, p.Pro708= (NM_001346897.2, NM_001346899.2); c.2259G>A, p.Pro753= (NM_001346898.2); c.2100G>A, p.Pro700= (NM_001346900.2); c.2259G>A (NM_005228.3, NM_005228.4); c.1458G>A, p.Pro486= (NM_001346941.2).
Identifiers: ClinVar variation 1159102 (VCV001159102.34), dbSNP rs764064214, ClinGen allele CA4266022.
Genomic context (GRCh38, chr7:55,174,796, plus strand): 5'-AGAAGGTGAGAAAGTTAAAATTCCCGTCGCTATCAAGGAATTAAGAGAAGCAACATCTCC[G>A]AAAGCCAACAAGGAAATCCTCGATGTGAGTTTCTGCTTTGCTGTGTGGGGGTCCATGGCT-3'
Protein context (NP_005219.2, residues 743-763): AIKELREATS[Pro753=]KANKEILDEA

ClinVar aggregate classification (germline): Benign/Likely benign. Review status: criteria provided, multiple submitters, no conflicts (2 of 4 stars). 5 submissions from 5 submitters: Benign (1); Likely benign (3). 1 of the submissions does not count toward it. Last evaluated 2026-01-14.

Conditions:
EGFR-related disorder. Also called: EGFR-related condition.
Lung cancer. Also called: Malignant tumor of lung; Lung cancer, somatic. Identifiers: MedGen C0242379, MONDO:0008903, OMIM 211980.
EGFR-related lung cancer (EGFR). Identifiers: MedGen CN130014.
Hereditary cancer-predisposing syndrome. Also called: Tumor predisposition; Hereditary neoplastic syndrome; Hereditary Cancer Syndrome; Neoplastic Syndromes, Hereditary. Identifiers: Orphanet 140162, MedGen C0027672, MeSH D009386, MONDO:0015356.

Allele frequency attached by ClinVar (database versions not stated): ExAC 0.00002; gnomAD exomes 0.00002; gnomAD 0.00003; TOPMed 0.00003.
gnomAD v4.1: 19 of 1,613,938 alleles (0.0012%); highest among the groups gnomAD compares: Middle Eastern, 0.033%; no homozygotes.

Submissions (5):

Labcorp Genetics (formerly Invitae), Labcorp
Classification: Likely benign for EGFR-related lung cancer. Last evaluated: 2026-01-14. Review status: criteria provided, single submitter. Criteria: Invitae Variant Classification Sherloc (09022015). Collection method: clinical testing. Allele origin: germline.

Ambry Genetics
Classification: Likely benign for Hereditary cancer-predisposing syndrome. Last evaluated: 2024-11-25. Review status: criteria provided, single submitter. Criteria: Ambry Variant Classification Scheme 2023. Collection method: clinical testing. Allele origin: germline.

Myriad Genetics, Inc.
Classification: Benign for Lung cancer. Last evaluated: 2024-10-16. Review status: criteria provided, single submitter. Criteria: Myriad Autosomal Dominant, Autosomal Recessive and X-Linked Classification Criteria (2023). Collection method: clinical testing. Allele origin: unknown.
Comment: This variant is considered benign. This variant is a silent/synonymous amino acid change and it is not expected to impact splicing.

CeGaT Center for Human Genetics Tuebingen
Classification: Likely benign. Last evaluated: 2023-12-01. Review status: criteria provided, single submitter. Criteria: CeGaT Center For Human Genetics Tuebingen Variant Classification Criteria Version 2. Collection method: clinical testing. Allele origin: germline. Affected: yes. Observed: 1 variant allele.
Comment: EGFR: BP4, BP7

PreventionGenetics, part of Exact Sciences
Classification: Likely benign for EGFR-related condition. Last evaluated: 2019-04-01. Review status: no assertion criteria provided. Collection method: clinical testing. Allele origin: germline. Not counted in ClinVar's aggregate classification.
Comment: This variant is classified as likely benign based on ACMG/AMP sequence variant interpretation guidelines (Richards et al. 2015 PMID: 25741868, with internal and published modifications).